The following is an entry in ClinVar:

ClinVar aggregate classification (germline): Uncertain significance. Review status: criteria provided, multiple submitters, no conflicts (2 of 4 stars). 2 submissions from 2 submitters: Uncertain significance (2). Last evaluated 2025-01-08.

Allele frequency attached by ClinVar (database versions not stated): gnomAD exomes below 0.00001; TOPMed 0.00002; gnomAD 0.00003.
gnomAD v4.1: 6 of 1,613,898 alleles (0.00037%); highest among the groups gnomAD compares: Non-Finnish European, 0.00051%; no homozygotes.

Submissions (2):

Ambry Genetics
Classification: Uncertain significance. Last evaluated: 2025-01-08. Review status: criteria provided, single submitter. Criteria: Ambry Variant Classification Scheme 2023. Collection method: clinical testing. Allele origin: germline.
Comment: The p.L210V variant (also known as c.628C>G), located in coding exon 5 of the RINT1 gene, results from a C to G substitution at nucleotide position 628. The leucine at codon 210 is replaced by valine, an amino acid with highly similar properties. This amino acid position is conserved. In addition, this alteration is predicted to be tolerated by in silico analysis. Since supporting evidence is limited at this time, the clinical significance of this alteration remains unclear.

Labcorp Genetics (formerly Invitae), Labcorp
Classification: Uncertain significance. Last evaluated: 2023-12-12. Review status: criteria provided, single submitter. Criteria: Invitae Variant Classification Sherloc (09022015). Collection method: clinical testing. Allele origin: germline.
Comment: This sequence change replaces leucine, which is neutral and non-polar, with valine, which is neutral and non-polar, at codon 210 of the RINT1 protein (p.Leu210Val). This variant is present in population databases (no rsID available, gnomAD 0.007%). This variant has not been reported in the literature in individuals affected with RINT1-related conditions. ClinVar contains an entry for this variant (Variation ID: 1502260). An algorithm developed to predict the effect of missense changes on protein structure and function (PolyPhen-2) suggests that this variant is likely to be tolerated. In summary, the available evidence is currently insufficient to determine the role of this variant in disease. Therefore, it has been classified as a Variant of Uncertain Significance.

NM_021930.6(RINT1):c.628C>G (p.Leu210Val)

Gene: RINT1 (RAD50 interactor 1; plus strand). Cytogenetic location: 7q22.3.
Variant type: single nucleotide variant.
Coding change: c.628C>G on transcript NM_021930.6 (MANE Select); coding-DNA position 628, C replaced by G.
Protein change: p.Leu210Val; replaces leucine 210 with valine.
Molecular consequence: missense variant. On other transcripts: 5 prime UTR variant (2), non-coding transcript variant (1), intron variant (1).
Genome position (GRCh38, 1-based): chr7:105,547,022, C>G. VCF-style: chr7-105547022-C-G. GRCh37 (hg19) VCF-style: chr7-105187469-C-G.
Other names: c.394C>G, p.Leu132Val (NM_001346599.2); c.-392C>G (NM_001346600.2); c.-295C>G (NM_001346601.2); c.-27-3033C>G (NM_001346603.2); short protein forms L210V, L132V.
Identifiers: ClinVar variation 1502260 (VCV001502260.11), dbSNP rs1393602613, ClinGen allele CA368805655.